The following is an entry in ClinVar:

NM_001042492.3(NF1):c.3657dup (p.Glu1220fs)

Gene: NF1 (neurofibromin 1; plus strand). Cytogenetic location: 17q11.2.
Variant type: Duplication.
Coding change: c.3657dup on transcript NM_001042492.3 (MANE Select); coding-DNA position 3657, one base duplicated (A; older notation c.3657dupA).
Protein change: p.Glu1220fs; shifts the reading frame from glutamic acid 1220.
Molecular consequence: frameshift variant.
Genome position (GRCh38, 1-based): chr17:31,233,162, A duplicated. VCF-style (leftmost placement, unchanged base first): chr17-31233161-G-GA. GRCh37 (hg19) VCF-style: chr17-29560179-G-GA.
Other names: c.3657dupA (NM_000267.3); c.3657dup, p.Glu1220Argfs (NM_000267.4); short protein forms E1220fs.
Identifiers: ClinVar variation 573205 (VCV000573205.1), dbSNP rs1567851445, ClinGen allele CA891843818.

ClinVar aggregate classification (germline): Pathogenic (1 of 4 stars; one submission).

Conditions:
Neurofibromatosis, type 1 (NF1). Also called: Peripheral type neurofibromatosis; VON RECKLINGHAUSEN DISEASE; Neurofibromatosis, type I; NEUROFIBROMATOSIS, TYPE I, SOMATIC. Identifiers: Orphanet 636, MedGen C0027831, MONDO:0018975, OMIM 162200. Disease mechanism: loss of function.

Submission:

Labcorp Genetics (formerly Invitae), Labcorp
Classification: Pathogenic for Neurofibromatosis, type 1. Last evaluated: 2018-03-20. Review status: criteria provided, single submitter. Criteria: Invitae Variant Classification Sherloc (09022015). Collection method: clinical testing. Allele origin: germline.
Comment: This sequence change creates a premature translational stop signal (p.Glu1220Argfs*19) in the NF1 gene. It is expected to result in an absent or disrupted protein product. This variant is not present in population databases (ExAC no frequency). This variant has not been reported in the literature in individuals with NF1-related disease. Loss-of-function variants in NF1 are known to be pathogenic (PMID: 10712197, 23913538). For these reasons, this variant has been classified as Pathogenic.